The following is an entry in ClinVar:

ClinVar aggregate classification (germline): Uncertain significance. Review status: criteria provided, multiple submitters, no conflicts (2 of 4 stars). 2 submissions from 2 submitters: Uncertain significance (2). Last evaluated 2025-12-24.

Conditions:
Cardiovascular phenotype. Identifiers: MedGen CN230736.
Alstrom syndrome (ALMS). Identifiers: Orphanet 64, MedGen C0268425, MONDO:0008763, OMIM 203800.

gnomAD v4.1: 3 of 1,613,838 alleles (0.00019%); highest among the groups gnomAD compares: African/African-American, 0.0027%; no homozygotes.

Submissions (2):

Labcorp Genetics (formerly Invitae), Labcorp
Classification: Uncertain significance for Alstrom syndrome. Last evaluated: 2025-12-24. Review status: criteria provided, single submitter. Criteria: Invitae Variant Classification Sherloc (09022015). Collection method: clinical testing. Allele origin: germline.
Comment: This sequence change replaces arginine, which is basic and polar, with leucine, which is neutral and non-polar, at codon 4147 of the ALMS1 protein (p.Arg4147Leu). This variant is present in population databases (rs141665136, gnomAD 0.007%). This variant has not been reported in the literature in individuals affected with ALMS1-related conditions. ClinVar contains an entry for this variant (Variation ID: 3226588). Experimental studies and prediction algorithms are not available or were not evaluated, and the functional significance of this variant is currently unknown. In summary, the available evidence is currently insufficient to determine the role of this variant in disease. Therefore, it has been classified as a Variant of Uncertain Significance.

Ambry Genetics
Classification: Uncertain significance for Cardiovascular phenotype. Last evaluated: 2023-11-30. Review status: criteria provided, single submitter. Criteria: Ambry Variant Classification Scheme 2023. Collection method: clinical testing. Allele origin: germline.
Comment: The p.R4147L variant (also known as c.12440G>T), located in coding exon 22 of the ALMS1 gene, results from a G to T substitution at nucleotide position 12440. The arginine at codon 4147 is replaced by leucine, an amino acid with dissimilar properties. This amino acid position is well conserved in available vertebrate species. In addition, the in silico prediction for this alteration is inconclusive. Since supporting evidence is limited at this time, the clinical significance of this alteration remains unclear.

NM_001378454.1(ALMS1):c.12437G>T (p.Arg4146Leu)

Gene: ALMS1 (ALMS1 centrosome and basal body associated protein; plus strand). Cytogenetic location: 2p13.1.
Variant type: single nucleotide variant.
Coding change: c.12437G>T on transcript NM_001378454.1 (MANE Select); coding-DNA position 12437, G replaced by T.
Protein change: p.Arg4146Leu; replaces arginine 4146 with leucine.
Molecular consequence: missense variant.
Genome position (GRCh38, 1-based): chr2:73,608,549, G>T. VCF-style: chr2-73608549-G-T. GRCh37 (hg19) VCF-style: chr2-73835676-G-T.
Other names: c.12440G>T, p.Arg4147Leu (NM_015120.4); short protein forms R4146L, R4147L.
Identifiers: ClinVar variation 3226588 (VCV003226588.2), dbSNP rs141665136, ClinGen allele CA50342595.